The following is an entry in ClinVar:

NM_001298.3(CNGA3):c.777C>T (p.Thr259=)

Gene: CNGA3 (cyclic nucleotide gated channel subunit alpha 3; plus strand). Cytogenetic location: 2q11.2.
Variant type: single nucleotide variant.
Coding change: c.777C>T on transcript NM_001298.3 (MANE Select); coding-DNA position 777, C replaced by T.
Protein change: p.Thr259=; no amino-acid change (threonine 259 retained).
Molecular consequence: synonymous variant.
Genome position (GRCh38, 1-based): chr2:98,395,947, C>T. VCF-style: chr2-98395947-C-T. GRCh37 (hg19) VCF-style: chr2-99012410-C-T.
Other names: c.777C>T (NM_001298.2); c.723C>T, p.Thr241= (NM_001079878.2).
Identifiers: ClinVar variation 1115515 (VCV001115515.11), dbSNP rs138921037, ClinGen allele CA1793888.

ClinVar aggregate classification (germline): Likely benign. Review status: criteria provided, multiple submitters, no conflicts (2 of 4 stars). 3 submissions from 3 submitters: Likely benign (3). Last evaluated 2025-12-26.

Conditions:
CNGA3-related disorder. Also called: CNGA3-related condition.

Allele frequency attached by ClinVar (database versions not stated): TOPMed 0.00020; ESP Exome Variant Server 0.00038.
gnomAD v4.1: 104 of 1,614,150 alleles (0.0064%); highest among the groups gnomAD compares: African/African-American, 0.091%; 1 homozygote.

Submissions (3):

Labcorp Genetics (formerly Invitae), Labcorp
Classification: Likely benign. Last evaluated: 2025-12-26. Review status: criteria provided, single submitter. Criteria: Invitae Variant Classification Sherloc (09022015). Collection method: clinical testing. Allele origin: germline.

PreventionGenetics, part of Exact Sciences
Classification: Likely benign for CNGA3-related condition. Last evaluated: 2025-01-02. Review status: criteria provided, single submitter. Criteria: ACMG Guidelines, 2015. Collection method: clinical testing. Allele origin: germline.
Comment: This variant is classified as likely benign based on ACMG/AMP sequence variant interpretation guidelines (Richards et al. 2015 PMID: 25741868, with internal and published modifications).

Blueprint Genetics
Classification: Likely benign. Last evaluated: 2024-08-23. Review status: criteria provided, single submitter. Criteria: ACMG Guidelines, 2015. Collection method: clinical testing. Allele origin: germline.